The following is an entry in ClinVar:

ClinVar aggregate classification (germline): Likely benign. Review status: criteria provided, single submitter (1 of 4 stars). 2 submissions from 2 submitters: Likely benign (1). 1 of the submissions does not count toward it. Last evaluated 2026-02-02.

Conditions:
SLC13A5-related disorder. Also called: SLC13A5-related condition.
Developmental and epileptic encephalopathy, 25 (DEE25). Also called: Developmental and epileptic encephalopathy 25, with amelogenesis imperfecta; Epileptic encephalopathy, early infantile, 25, with amelogenesis imperfecta; Epileptic encephalopathy, early infantile, 25. Identifiers: Orphanet 442835, MedGen C4014621, MONDO:0014392, OMIM 615905.

Allele frequency attached by ClinVar (database versions not stated): ExAC 0.00003; gnomAD 0.00003; gnomAD exomes 0.00004; TOPMed 0.00004.
gnomAD v4.1: 27 of 1,612,512 alleles (0.0017%); highest among the groups gnomAD compares: African/African-American, 0.012%; no homozygotes.

Submissions (2):

Labcorp Genetics (formerly Invitae), Labcorp
Classification: Likely benign for Developmental and epileptic encephalopathy, 25. Last evaluated: 2026-02-02. Review status: criteria provided, single submitter. Criteria: Invitae Variant Classification Sherloc (09022015). Collection method: clinical testing. Allele origin: germline.

PreventionGenetics, part of Exact Sciences
Classification: Likely benign for SLC13A5-related condition. Last evaluated: 2019-04-09. Review status: no assertion criteria provided. Collection method: clinical testing. Allele origin: germline. Not counted in ClinVar's aggregate classification.
Comment: This variant is classified as likely benign based on ACMG/AMP sequence variant interpretation guidelines (Richards et al. 2015 PMID: 25741868, with internal and published modifications).

NM_177550.5(SLC13A5):c.368+9G>A

Gene: SLC13A5 (solute carrier family 13 member 5; minus strand). Cytogenetic location: 17p13.1.
Variant type: single nucleotide variant.
Coding change: c.368+9G>A on transcript NM_177550.5 (MANE Select); 9 bases into the intron after coding-DNA position 368, G replaced by A.
Molecular consequence: intron variant.
Genome position (GRCh38, 1-based): chr17:6,706,633, C>T on the plus strand (G>A on the coding strand, the complement: SLC13A5 is on the minus strand). VCF-style: chr17-6706633-C-T. GRCh37 (hg19) VCF-style: chr17-6609952-C-T.
Other names: c.239+9G>A (NM_001284510.2); c.368+9G>A (NM_001284509.2, NM_001143838.3).
Identifiers: ClinVar variation 720111 (VCV000720111.13), dbSNP rs764226590, ClinGen allele CA8331760.